The following is an entry in ClinVar:

NM_000375.3(UROS):c.-26-183G>A

Gene: UROS (uroporphyrinogen III synthase; minus strand). Cytogenetic location: 10q26.2.
Variant type: single nucleotide variant.
Coding change: c.-26-183G>A on transcript NM_000375.3 (MANE Select); 183 bases into the intron before 26 bases upstream of the start codon, G replaced by A.
Molecular consequence: intron variant.
Genome position (GRCh38, 1-based): chr10:125,816,708, C>T on the plus strand (G>A on the coding strand, the complement: UROS is on the minus strand). VCF-style: chr10-125816708-C-T. GRCh37 (hg19) VCF-style: chr10-127505277-C-T.
Other names: -76G>A; -76G-A; c.-26-183G>A (NM_001324038.2, NM_001324037.2, NM_001324036.2 and 1 more transcripts).
Identifiers: ClinVar variation 3763 (VCV000003763.10), dbSNP rs397515349, ClinGen allele CA340122.

ClinVar aggregate classification (germline): Pathogenic. Review status: criteria provided, single submitter (1 of 4 stars). 3 submissions from 3 submitters: Pathogenic (1). 2 of the submissions do not count toward it. Last evaluated 2023-12-02.

Conditions:
Congenital erythropoietic porphyria. Also called: UROPORPHYRINOGEN III SYNTHASE DEFICIENCY; Porphyria, Erythropoietic; Congenital porphyria; Günther disease; Uroporphyrinogen III synthase, deficiency of; Cutaneous porphyria. Identifiers: Orphanet 79277, MedGen C5886774, MONDO:0009902, OMIM 263700.

gnomAD v4.1: 4 of 627,568 alleles (0.00064%); highest among the groups gnomAD compares: Non-Finnish European, 0.0011%; no homozygotes.

Submissions (3):

Labcorp Genetics (formerly Invitae), Labcorp
Classification: Pathogenic. Last evaluated: 2023-12-02. Review status: criteria provided, single submitter. Criteria: Invitae Variant Classification Sherloc (09022015). Collection method: clinical testing. Allele origin: germline.
Comment: This sequence change falls in intron 1 of the UROS gene. It does not directly change the encoded amino acid sequence of the UROS protein. This variant is not present in population databases (gnomAD no frequency). This variant has been observed in individuals with congenital erythropoietic porphyria (PMID: 11254675, 16365260, 27859603). It has also been observed to segregate with disease in related individuals. This variant is also known as -76G>A or 1-209G>A. ClinVar contains an entry for this variant (Variation ID: 3763). Algorithms developed to predict the effect of variants on protein structure and function are not available or were not evaluated for this variant. Experimental studies have shown that this variant affects UROS function (PMID: 27859603). Algorithms developed to predict the effect of sequence changes on RNA splicing suggest that this variant is not likely to affect RNA splicing. For these reasons, this variant has been classified as Pathogenic.

GeneReviews
Classification: Pathogenic for Congenital erythropoietic porphyria. Last evaluated: 2016-04-07. Review status: no assertion criteria provided. Collection method: literature only. Allele origin: germline. Affected: yes. Not counted in ClinVar's aggregate classification.

OMIM
Classification: Pathogenic for PORPHYRIA, CONGENITAL ERYTHROPOIETIC. Last evaluated: 2001-03-01. Review status: no assertion criteria provided. Collection method: literature only. Allele origin: germline. Not counted in ClinVar's aggregate classification.

Literature cited by the submitters: PubMed 11254675 (cited by Labcorp Genetics (formerly Invitae), Labcorp and OMIM); PubMed 16365260 (cited by Labcorp Genetics (formerly Invitae), Labcorp); PubMed 27859603 (cited by Labcorp Genetics (formerly Invitae), Labcorp).